The following is an entry in ClinVar:

NM_000051.4(ATM):c.4091A>G (p.Asp1364Gly)

Gene: ATM (ATM serine/threonine kinase; plus strand). Cytogenetic location: 11q22.3.
Variant type: single nucleotide variant.
Coding change: c.4091A>G on transcript NM_000051.4 (MANE Select); coding-DNA position 4091, A replaced by G.
Protein change: p.Asp1364Gly; replaces aspartic acid 1364 with glycine.
Molecular consequence: missense variant.
Genome position (GRCh38, 1-based): chr11:108,287,697, A>G. VCF-style: chr11-108287697-A-G. GRCh37 (hg19) VCF-style: chr11-108158424-A-G.
Other names: c.4091A>G, p.Asp1364Gly (NM_001351834.2); short protein forms D1364G.
Identifiers: ClinVar variation 236715 (VCV000236715.46), dbSNP rs751169467, ClinGen allele CA6265393.
Genomic context (GRCh38, chr11:108,287,697, plus strand): 5'-TGGTGGAGTTATTGATGACGTTACATGAGCCAGCAAATTCTAGTGCCAGTCAGAGCACTG[A>G]CCTCTGTGACTTTTCAGGGTATGTACATTTTAAACTTAGAGAACTAGCTCTAACTTCACA-3'
Protein context (NP_000042.3, residues 1354-1374): PANSSASQST[Asp1364Gly]LCDFSGDLDP

ClinVar aggregate classification (germline): Conflicting classifications of pathogenicity. Review status: criteria provided, conflicting classifications (1 of 4 stars). 15 submissions from 15 submitters: Uncertain significance (11); Likely benign (2). 2 of the submissions do not count toward it. Last evaluated 2026-05-08.

Conditions:
ATM-related disorder. Also called: ATM-related disorders; ATM-related condition.
Hereditary cancer-predisposing syndrome. Also called: Neoplastic Syndromes, Hereditary; Hereditary neoplastic syndrome; Hereditary Cancer Syndrome; Tumor predisposition. Identifiers: Orphanet 140162, MedGen C0027672, MeSH D009386, MONDO:0015356.
Familial cancer of breast. Also called: BREAST CANCER, FAMILIAL; Hereditary breast cancer; hereditary breast carcinoma. Identifiers: Orphanet 227535, MedGen C0346153, MONDO:0016419, OMIM 114480. Disease mechanism: loss of function.
Ataxia-telangiectasia syndrome (AT). Also called: LOUIS-BAR SYNDROME; Ataxia-telangiectasia, complementation group D; AT, COMPLEMENTATION GROUP C; Ataxia telangiectasia (A-T); ATAXIA-TELANGIECTASIA, COMPLEMENTATION GROUP A; ATAXIA-TELANGIECTASIA, FRESNO VARIANT. Identifiers: Orphanet 100, MedGen C0004135, MONDO:0008840, OMIM 208900.
Malignant tumor of breast. Also called: Malignant breast neoplasm; Cancer breast. Identifiers: MedGen C0006142, MONDO:0007254. Disease mechanism: loss of function.

Allele frequency attached by ClinVar (database versions not stated): gnomAD exomes below 0.00001 and 0.00001; ExAC 0.00001; TOPMed 0.00002.
gnomAD v4.1: 6 of 1,612,336 alleles (0.00037%); highest among the groups gnomAD compares: Admixed American, 0.0017%; no homozygotes.

Submissions 1 to 10 of 15:

Women's Health and Genetics/Laboratory Corporation of America, LabCorp
Classification: Uncertain significance. Last evaluated: 2026-05-08. Review status: criteria provided, single submitter. Criteria: LabCorp Variant Classification Summary - May 2015. Collection method: clinical testing. Allele origin: germline.
Comment: Variant summary: ATM c.4091A>G (p.Asp1364Gly) results in a non-conservative amino acid change in the encoded protein sequence. Algorithms developed to predict the effect of missense changes on protein structure and function are either unavailable or do not agree on the potential impact of this missense change. The variant allele was found at a frequency of 8e-06 in 248572 control chromosomes. The available data on variant occurrences in the general population are insufficient to allow any conclusion about variant significance. c.4091A>G has been observed in individuals affected with breast cancer and colorectal cancer without strong evidence for causality (Tung_2015, Yurgelun_2015, de Oliveira_2022, Gifoni_2022). These report(s) do not provide unequivocal conclusions about association of the variant with Ataxia-telangiectasia syndrome. To our knowledge, no experimental evidence demonstrating an impact on protein function has been reported. The following publications have been ascertained in the context of this evaluation (PMID: 35957908, 25186627, 25980754, 35534704). ClinVar contains an entry for this variant (Variation ID: 236715). Based on the evidence outlined above, the variant was classified as uncertain significance.

PreventionGenetics, part of Exact Sciences
Classification: Uncertain significance for ATM-related condition. Last evaluated: 2026-03-06. Review status: criteria provided, single submitter. Criteria: ACMG Guidelines, 2015. Collection method: clinical testing. Allele origin: germline.
Comment: The ATM c.4091A>G variant is predicted to result in the amino acid substitution p.Asp1364Gly. This variant has been reported as a variant of uncertain significance in individuals with a personal and/or family history of breast cancer (supplemental data, Tung et al. 2014. PubMed ID: 25186627; Table S4, Bhai et al. 2021. PubMed ID: 34326862; supplemental data, Gifoni et al. 2022. PubMed ID: 359579086) and was reported in one patient with Lynch syndrome (Table S2, Yurgelan et al. 2015. PubMed ID: 25980754). This variant is reported in 0.0058% of alleles in individuals of Latino descent in gnomAD, and has conflicting interpretations in the ClinVar database ranging from likely benign to uncertain (Variation ID: 236715). At this time, the clinical significance of this variant is uncertain due to the absence of conclusive functional and genetic evidence.

Labcorp Genetics (formerly Invitae), Labcorp
Classification: Uncertain significance for Ataxia-telangiectasia syndrome. Last evaluated: 2026-02-03. Review status: criteria provided, single submitter. Criteria: Invitae Variant Classification Sherloc (09022015). Collection method: clinical testing. Allele origin: germline.
Comment: This sequence change replaces aspartic acid, which is acidic and polar, with glycine, which is neutral and non-polar, at codon 1364 of the ATM protein (p.Asp1364Gly). This variant is present in population databases (rs751169467, gnomAD 0.003%). This missense change has been observed in individual(s) with a personal and/or family history suggestive of Lynch syndrome and/or breast cancer (PMID: 25186627, 25980754, 35534704, 35957908). ClinVar contains an entry for this variant (Variation ID: 236715). Invitae Evidence Modeling of protein sequence and biophysical properties (such as structural, functional, and spatial information, amino acid conservation, physicochemical variation, residue mobility, and thermodynamic stability) indicates that this missense variant is not expected to disrupt ATM protein function with a negative predictive value of 95%. In summary, the available evidence is currently insufficient to determine the role of this variant in disease. Therefore, it has been classified as a Variant of Uncertain Significance.

Myriad Genetics, Inc.
Classification: Likely benign for Familial cancer of breast. Last evaluated: 2025-09-03. Review status: criteria provided, single submitter. Criteria: Myriad Autosomal Dominant, Autosomal Recessive and X-Linked Classification Criteria (2023). Collection method: clinical testing. Allele origin: unknown.
Comment: This variant is considered likely benign. This variant is strongly associated with less severe personal and family histories of cancer, typical for individuals without pathogenic variants in this gene [PMID: 25085752].

Quest Diagnostics Nichols Institute San Juan Capistrano
Classification: Uncertain significance. Last evaluated: 2025-09-02. Review status: criteria provided, single submitter. Criteria: Quest Diagnostics criteria. Collection method: clinical testing. Allele origin: unknown.

Ambry Genetics
Classification: Uncertain significance for Hereditary cancer-predisposing syndrome. Last evaluated: 2025-07-24. Review status: criteria provided, single submitter. Criteria: Ambry Variant Classification Scheme 2023. Collection method: clinical testing. Allele origin: germline.
Comment: The p.D1364G variant (also known as c.4091A>G), located in coding exon 26 of the ATM gene, results from an A to G substitution at nucleotide position 4091. The aspartic acid at codon 1364 is replaced by glycine, an amino acid with similar properties. This alteration was identified in multiple individuals diagnosed with breast cancer (Tung N et al. Cancer, 2015 Jan;121:25-33; Dorling et al. N Engl J Med. 2021 02;384:428-439). This amino acid position is not well conserved in available vertebrate species. In addition, this alteration is predicted to be tolerated by in silico analysis. Based on the available evidence, the clinical significance of this variant remains unclear.

Color Diagnostics, LLC DBA Color Health
Classification: Likely benign for Hereditary cancer-predisposing syndrome. Last evaluated: 2025-05-28. Review status: criteria provided, single submitter. Criteria: ACMG Guidelines, 2015. Collection method: clinical testing. Allele origin: germline.

GeneDx
Classification: Uncertain significance. Last evaluated: 2023-07-14. Review status: criteria provided, single submitter. Criteria: GeneDx Variant Classification Process June 2021. Collection method: clinical testing. Allele origin: germline. Affected: yes.
Comment: Not observed at significant frequency in large population cohorts (gnomAD); In silico analysis supports that this missense variant has a deleterious effect on protein structure/function; Observed in individuals with breast cancer or Lynch syndrome-associated cancer and/or polyps (Yurgelun et al., 2015; Tung et al., 2015; Guindalini et al., 2022); This variant is associated with the following publications: (PMID: 25326804, 25980754, 25186627, 35264596)

Laboratorio de Genetica e Diagnostico Molecular, Hospital Israelita Albert Einstein
Classification: Uncertain significance for Ataxia-telangiectasia syndrome. Last evaluated: 2021-10-29. Review status: criteria provided, single submitter. Criteria: ACMG Guidelines, 2015. Collection method: clinical testing. Allele origin: germline. Affected: yes.
Comment: ACMG classification criteria: PM2 moderate, BP4 supporting

Sema4
Classification: Uncertain significance for Hereditary cancer-predisposing syndrome. Last evaluated: 2021-04-09. Review status: criteria provided, single submitter. Criteria: Sema4 Curation Guidelines. Collection method: curation. Allele origin: germline.
Comment: The ATM c.4091A>G (p.D1364G) variant has been reported in at least one individual with a history of Lynch syndrome-associated cancer and/or polyps (PMID: 25980754). It was observed in 2/34546 chromosomes of the Latino subpopulation by the Genome Aggregation Database (PMID: 32461654). The variant has been reported in ClinVar (Variation ID 236715). In silico tools suggest the impact of the variant on protein function is inconclusive though these predictions have not been confirmed by functional studies. The evidence is insufficient to meet ACMG/AMP criteria for classifying the variant as benign or pathogenic. Thus, the clinical significance of this variant is currently uncertain.